The following is an entry in ClinVar:

ClinVar aggregate classification (germline): Uncertain significance (1 of 4 stars; one submission).

Allele frequency attached by ClinVar (database versions not stated): gnomAD 0.00001; gnomAD exomes 0.00001; ExAC 0.00002.

Submission:

Labcorp Genetics (formerly Invitae), Labcorp
Classification: Uncertain significance. Last evaluated: 2022-08-08. Review status: criteria provided, single submitter. Criteria: Invitae Variant Classification Sherloc (09022015). Collection method: clinical testing. Allele origin: germline.
Comment: This variant, c.97_102del, results in the deletion of 2 amino acid(s) of the ZNF341 protein (p.Pro33_Thr34del), but otherwise preserves the integrity of the reading frame. This variant is present in population databases (rs751015549, gnomAD 0.01%). This variant has not been reported in the literature in individuals affected with ZNF341-related conditions. Experimental studies and prediction algorithms are not available or were not evaluated, and the functional significance of this variant is currently unknown. In summary, the available evidence is currently insufficient to determine the role of this variant in disease. Therefore, it has been classified as a Variant of Uncertain Significance.

NM_001282933.2(ZNF341):c.97_102del (p.Pro33_Thr34del)

Gene: ZNF341 (zinc finger protein 341; plus strand). Cytogenetic location: 20q11.22.
Variant type: Deletion.
Coding change: c.97_102del on transcript NM_001282933.2 (MANE Select); coding-DNA positions 97 to 102, 6 bases deleted (CCGACA; older notation c.97_102delCCGACA).
Protein change: p.Pro33_Thr34del.
Molecular consequence: inframe deletion. On other transcripts: inframe indel (1), non-coding transcript variant (1).
Genome position (GRCh38, 1-based): chr20:33,740,967-33,740,972, CCGACA deleted. VCF-style (leftmost placement, unchanged base first): chr20-33740966-TCCGACA-T. GRCh37 (hg19) VCF-style: chr20-32328772-TCCGACA-T.
Other names: c.24_29del, p.Ile8_Gln10delinsMet (NM_001282935.2); c.97_102del, p.Pro33_Thr34del (NM_032819.5).
Identifiers: ClinVar variation 2076406 (VCV002076406.1), dbSNP rs751015549, ClinGen allele CA9819056.